The following is an entry in ClinVar:

ClinVar aggregate classification (germline): Benign (1 of 4 stars; one submission).

Allele frequency attached by ClinVar (database versions not stated): 1000 Genomes Project 0.55751; 1000 Genomes Project 30x 0.55949; gnomAD 0.56646 and 0.56755; TOPMed 0.57067; gnomAD exomes 0.60277.
gnomAD v4.1: 793,730 of 1,326,386 alleles (60%); highest among the groups gnomAD compares: East Asian, 64%; 239,198 homozygotes.

Submission:

GeneDx
Classification: Benign. Last evaluated: 2018-06-14. Review status: criteria provided, single submitter. Criteria: GeneDx Variant Classification (06012015). Collection method: clinical testing. Allele origin: germline. Affected: yes.
Comment: This variant is considered likely benign or benign based on one or more of the following criteria: it is a conservative change, it occurs at a poorly conserved position in the protein, it is predicted to be benign by multiple in silico algorithms, and/or has population frequency not consistent with disease.

NM_182961.4(SYNE1):c.10299+122C>A

Gene: SYNE1 (spectrin repeat containing nuclear envelope protein 1; minus strand). Cytogenetic location: 6q25.2.
Variant type: single nucleotide variant.
Coding change: c.10299+122C>A on transcript NM_182961.4 (MANE Select); 122 bases into the intron after coding-DNA position 10299, C replaced by A.
Molecular consequence: intron variant.
Genome position (GRCh38, 1-based): chr6:152,362,048, G>T on the plus strand (C>A on the coding strand, the complement: SYNE1 is on the minus strand). VCF-style: chr6-152362048-G-T. GRCh37 (hg19) VCF-style: chr6-152683183-G-T.
Other names: c.10320+122C>A (NM_033071.5).
Identifiers: ClinVar variation 670161 (VCV000670161.1), dbSNP rs7771657, ClinGen allele CA12253571.